The following is an entry in ClinVar:

ClinVar aggregate classification (germline): Uncertain significance (1 of 4 stars; one submission).

Allele frequency attached by ClinVar (database versions not stated): ExAC 0.00001; gnomAD exomes 0.00001; gnomAD 0.00003; TOPMed 0.00003.

Submission:

Labcorp Genetics (formerly Invitae), Labcorp
Classification: Uncertain significance. Last evaluated: 2022-08-16. Review status: criteria provided, single submitter. Criteria: Invitae Variant Classification Sherloc (09022015). Collection method: clinical testing. Allele origin: germline.
Comment: This sequence change replaces valine, which is neutral and non-polar, with methionine, which is neutral and non-polar, at codon 119 of the UNC45A protein (p.Val119Met). This variant is present in population databases (rs760638183, gnomAD 0.002%). In summary, the available evidence is currently insufficient to determine the role of this variant in disease. Therefore, it has been classified as a Variant of Uncertain Significance. Algorithms developed to predict the effect of missense changes on protein structure and function are either unavailable or do not agree on the potential impact of this missense change (SIFT: "Not Available"; PolyPhen-2: "Benign"; Align-GVGD: "Not Available"). This variant has not been reported in the literature in individuals affected with UNC45A-related conditions.

NM_018671.5(UNC45A):c.355G>A (p.Val119Met)

Gene: UNC45A (unc-45 myosin chaperone A; plus strand). Cytogenetic location: 15q26.1.
Variant type: single nucleotide variant.
Coding change: c.355G>A on transcript NM_018671.5 (MANE Select); coding-DNA position 355, G replaced by A.
Protein change: p.Val119Met; replaces valine 119 with methionine.
Molecular consequence: missense variant. On other transcripts: 5 prime UTR variant (1).
Genome position (GRCh38, 1-based): chr15:90,936,389, G>A. VCF-style: chr15-90936389-G-A. GRCh37 (hg19) VCF-style: chr15-91479619-G-A.
Other names: c.310G>A, p.Val104Met (NM_001039675.2, NM_001323621.2); c.355G>A, p.Val119Met (NM_001323619.1); c.-81G>A (NM_001323620.2); short protein forms V104M, V119M.
Identifiers: ClinVar variation 2427892 (VCV002427892.6), dbSNP rs760638183, ClinGen allele CA7742504.
Genomic context (GRCh38, chr15:90,936,389, plus strand): 5'-AGCCAAGCCCTAGAGAAGCTGGGCCGCCTGGACCAGGCTGTCCTTGACCTGCAGAGATGT[G>A]TGAGCTTGGAGCCCAAGAACAAAGTTTTCCAGGAGGCCTTGCGGAACATCGGGGGCCAGA-3'
Protein context (NP_061141.2, residues 109-129): DQAVLDLQRC[Val119Met]SLEPKNKVFQ